The following is an entry in ClinVar:

ClinVar aggregate classification (germline): Uncertain significance. Review status: criteria provided, multiple submitters, no conflicts (2 of 4 stars). 2 submissions from 2 submitters: Uncertain significance (2). Last evaluated 2024-04-27.

Conditions:
Diamond-Blackfan anemia. Also called: Blackfan Diamond syndrome; Aregenerative anemia chronic congenital; Red cell aplasia, pure hereditary; Congenital hypoplastic anemia; Aase syndrome. Identifiers: Orphanet 124, MedGen C1260899, MeSH D029503, MONDO:0015253, HP:0004810.
Diamond-Blackfan anemia 1 (DBA1). Also called: BLACKFAN-DIAMOND SYNDROME; ANEMIA, CONGENITAL HYPOPLASTIC, OF BLACKFAN AND DIAMOND; ANEMIA, CONGENITAL ERYTHROID HYPOPLASTIC; RED CELL APLASIA, PURE, HEREDITARY; AREGENERATIVE ANEMIA, CHRONIC CONGENITAL; ERYTHROGENESIS IMPERFECTA. Identifiers: Orphanet 124, MedGen C2676137, MONDO:0007110, OMIM 105650.

Allele frequency attached by ClinVar (database versions not stated): TOPMed below 0.00001; gnomAD 0.00001.
gnomAD v4.1: 7 of 1,613,974 alleles (0.00043%); highest among the groups gnomAD compares: South Asian, 0.0022%; no homozygotes.

Submissions (2):

Fulgent Genetics
Classification: Uncertain significance for Diamond-Blackfan anemia 1. Last evaluated: 2024-04-27. Review status: criteria provided, single submitter. Criteria: ACMG Guidelines, 2015. Collection method: clinical testing. Allele origin: germline.

Labcorp Genetics (formerly Invitae), Labcorp
Classification: Uncertain significance for Diamond-Blackfan anemia. Last evaluated: 2023-02-21. Review status: criteria provided, single submitter. Criteria: Invitae Variant Classification Sherloc (09022015). Collection method: clinical testing. Allele origin: germline.
Comment: This sequence change replaces aspartic acid, which is acidic and polar, with histidine, which is basic and polar, at codon 49 of the RPS19 protein (p.Asp49His). In summary, the available evidence is currently insufficient to determine the role of this variant in disease. Therefore, it has been classified as a Variant of Uncertain Significance. An algorithm developed to predict the effect of missense changes on protein structure and function (PolyPhen-2) suggests that this variant is likely to be tolerated. This variant has not been reported in the literature in individuals affected with RPS19-related conditions. This variant is present in population databases (no rsID available, gnomAD 0.003%).

NM_001022.4(RPS19):c.145G>C (p.Asp49His)

Genes: RPS19 (ribosomal protein S19; plus strand), RPS19-CD79A (RPS19-CD79A readthrough; plus strand). Cytogenetic location: 19q13.2.
Variant type: single nucleotide variant.
Coding change: c.145G>C on transcript NM_001022.4 (MANE Select); coding-DNA position 145, G replaced by C.
Protein change: p.Asp49His; replaces aspartic acid 49 with histidine.
Molecular consequence: missense variant.
Genome position (GRCh38, 1-based): chr19:41,861,185, G>C. VCF-style: chr19-41861185-G-C. GRCh37 (hg19) VCF-style: chr19-42365254-G-C.
Other names: c.145G>C, p.Asp49His (NM_001321483.2, NM_001321484.2, NM_001321485.2); short protein forms D49H.
Identifiers: ClinVar variation 2967935 (VCV002967935.4), dbSNP rs1385521848, ClinGen allele CA406047104.